The following is an entry in ClinVar:

NM_002691.4(POLD1):c.2609A>T (p.Asp870Val)

Gene: POLD1 (DNA polymerase delta 1, catalytic subunit; plus strand). Cytogenetic location: 19q13.33.
Variant type: single nucleotide variant.
Coding change: c.2609A>T on transcript NM_002691.4 (MANE Select); coding-DNA position 2609, A replaced by T.
Protein change: p.Asp870Val; replaces aspartic acid 870 with valine.
Molecular consequence: missense variant. On other transcripts: non-coding transcript variant (1).
Genome position (GRCh38, 1-based): chr19:50,415,482, A>T. VCF-style: chr19-50415482-A-T. GRCh37 (hg19) VCF-style: chr19-50918739-A-T.
Other names: c.2609A>T, p.Asp870Val (NM_001256849.1); c.2687A>T, p.Asp896Val (NM_001308632.1); short protein forms D896V, D870V.
Identifiers: ClinVar variation 1793759 (VCV001793759.2), dbSNP rs2514053587, ClinGen allele CA406985417.

ClinVar aggregate classification (germline): Uncertain significance (1 of 4 stars; one submission).

Conditions:
Hereditary cancer-predisposing syndrome. Also called: Tumor predisposition; Hereditary Cancer Syndrome; Neoplastic Syndromes, Hereditary; Hereditary neoplastic syndrome. Identifiers: Orphanet 140162, MedGen C0027672, MeSH D009386, MONDO:0015356.

Submission:

Ambry Genetics
Classification: Uncertain significance for Hereditary cancer-predisposing syndrome. Last evaluated: 2022-03-03. Review status: criteria provided, single submitter. Criteria: Ambry Variant Classification Scheme 2023. Collection method: clinical testing. Allele origin: germline.
Comment: The p.D870V variant (also known as c.2609A>T), located in coding exon 20 of the POLD1 gene, results from an A to T substitution at nucleotide position 2609. The aspartic acid at codon 870 is replaced by valine, an amino acid with highly dissimilar properties. This amino acid position is conserved. In addition, the in silico prediction for this alteration is inconclusive. Since supporting evidence is limited at this time, the clinical significance of this alteration remains unclear.